The following is an entry in ClinVar:

NM_025114.4(CEP290):c.664del (p.Ile222fs)

Gene: CEP290 (centrosomal protein 290; minus strand). Cytogenetic location: 12q21.32.
Variant type: Deletion.
Coding change: c.664del on transcript NM_025114.4 (MANE Select); coding-DNA position 664, one base deleted (A; older notation c.664delA).
Protein change: p.Ile222fs; shifts the reading frame from isoleucine 222.
Molecular consequence: frameshift variant.
Genome position (GRCh38, 1-based): chr12:88,130,273, T deleted on the plus strand (A on the coding strand, the reverse complement: CEP290 is on the minus strand); the first of 3 consecutive T bases (chr12:88,130,273-88,130,275); deleting any one gives the same sequence. VCF-style (leftmost placement, unchanged base first): chr12-88130272-AT-A. GRCh37 (hg19) VCF-style: chr12-88524049-AT-A.
Other names: short protein forms I222fs.
Identifiers: ClinVar variation 1398353 (VCV001398353.5), dbSNP rs2138093868, ClinGen allele CA2573149067.

ClinVar aggregate classification (germline): Pathogenic (1 of 4 stars; one submission).

Conditions:
Joubert syndrome. Also called: CEREBELLOPARENCHYMAL DISORDER IV; JOUBERT-BOLTSHAUSER SYNDROME; Familial aplasia of the vermis. Identifiers: Orphanet 475, MedGen C5979921, MONDO:0018772.
Nephronophthisis. Also called: Juvenile Nephronophthisis. Identifiers: Orphanet 655, MedGen C0687120, MONDO:0019005, HP:0000090.
Meckel-Gruber syndrome. Also called: DYSENCEPHALIA SPLANCHNOCYSTICA; GRUBER SYNDROME; Dysencephalia splachnocystica. Identifiers: Orphanet 564, MedGen C0265215, MONDO:0018921.

Submission:

Labcorp Genetics (formerly Invitae), Labcorp
Classification: Pathogenic for Joubert syndrome; Meckel-Gruber syndrome; Nephronophthisis. Last evaluated: 2020-11-25. Review status: criteria provided, single submitter. Criteria: Invitae Variant Classification Sherloc (09022015). Collection method: clinical testing. Allele origin: germline.
Comment: This sequence change creates a premature translational stop signal (p.Ile222Phefs*4) in the CEP290 gene. It is expected to result in an absent or disrupted protein product. Loss-of-function variants in CEP290 are known to be pathogenic (PMID: 16909394, 17345604, 20690115, 25377065, 28559085). This variant is not present in population databases (ExAC no frequency). This variant has not been reported in the literature in individuals with CEP290-related conditions. For these reasons, this variant has been classified as Pathogenic.

Literature cited by the submitters: PubMed 16909394; PubMed 17345604; PubMed 20690115; PubMed 25377065; PubMed 28559085.